The following is an entry in ClinVar:

NM_014231.5(VAMP1):c.299T>C (p.Met100Thr)

Genes: TAPBPL (TAP binding protein like; plus strand), VAMP1 (vesicle associated membrane protein 1; minus strand). Cytogenetic location: 12p13.31.
Variant type: single nucleotide variant.
Coding change: c.299T>C on transcript NM_014231.5 (MANE Select); coding-DNA position 299, T replaced by C.
Protein change: p.Met100Thr; replaces methionine 100 with threonine.
Molecular consequence: missense variant. On other transcripts: non-coding transcript variant (1).
Genome position (GRCh38, 1-based): chr12:6,464,931, A>G on the plus strand (T>C on the coding strand, the complement: VAMP1 is on the minus strand). VCF-style: chr12-6464931-A-G. GRCh37 (hg19) VCF-style: chr12-6574097-A-G.
Other names: c.299T>C, p.Met100Thr (NM_001297438.2, NM_016830.4, NM_199245.3); short protein forms M100T.
Identifiers: ClinVar variation 586926 (VCV000586926.7), dbSNP rs901075787, ClinGen allele CA232341898.

ClinVar aggregate classification (germline): Uncertain significance. Review status: criteria provided, multiple submitters, no conflicts (2 of 4 stars). 3 submissions from 3 submitters: Uncertain significance (3). Last evaluated 2025-07-29.

Conditions:
Spastic paraplegia. Identifiers: MedGen C0037772, HP:0001258.
Inborn genetic diseases. Identifiers: MedGen C0950123, MeSH D030342.

Allele frequency attached by ClinVar (database versions not stated): gnomAD exomes below 0.00001; TOPMed 0.00001; gnomAD 0.00002 and 0.00003.
gnomAD v4.1: 8 of 1,613,878 alleles (0.0005%); highest among the groups gnomAD compares: South Asian, 0.0011%; no homozygotes.

Submissions (3):

Labcorp Genetics (formerly Invitae), Labcorp
Classification: Uncertain significance for Spastic paraplegia. Last evaluated: 2025-07-29. Review status: criteria provided, single submitter. Criteria: Invitae Variant Classification Sherloc (09022015). Collection method: clinical testing. Allele origin: germline.
Comment: This sequence change replaces methionine, which is neutral and non-polar, with threonine, which is neutral and polar, at codon 100 of the VAMP1 protein (p.Met100Thr). This variant is present in population databases (no rsID available, gnomAD 0.007%). This variant has not been reported in the literature in individuals affected with VAMP1-related conditions. ClinVar contains an entry for this variant (Variation ID: 586926). An algorithm developed to predict the effect of missense changes on protein structure and function (PolyPhen-2) suggests that this variant is likely to be tolerated. In summary, the available evidence is currently insufficient to determine the role of this variant in disease. Therefore, it has been classified as a Variant of Uncertain Significance.

Ambry Genetics
Classification: Uncertain significance for Inborn genetic diseases. Last evaluated: 2025-06-24. Review status: criteria provided, single submitter. Criteria: Ambry Variant Classification Scheme 2023. Collection method: clinical testing. Allele origin: germline.

Athena Diagnostics
Classification: Uncertain significance. Last evaluated: 2018-03-28. Review status: criteria provided, single submitter. Criteria: Athena Diagnostics Criteria. Collection method: clinical testing. Allele origin: germline.